The following is an entry in ClinVar:

ClinVar aggregate classification (germline): Uncertain significance. Review status: criteria provided, multiple submitters, no conflicts (2 of 4 stars). 2 submissions from 2 submitters: Uncertain significance (2). Last evaluated 2026-06-23.

Conditions:
PKD1-related disorder. Also called: PKD1-related condition.
Inborn genetic diseases. Identifiers: MedGen C0950123, MeSH D030342.

gnomAD v4.1: 29 of 1,610,842 alleles (0.0018%); highest among the groups gnomAD compares: African/African-American, 0.004%; no homozygotes.

Submissions (2):

PreventionGenetics, part of Exact Sciences
Classification: Uncertain significance for PKD1-related condition. Last evaluated: 2026-06-23. Review status: criteria provided, single submitter. Criteria: ACMG Guidelines, 2015. Collection method: clinical testing. Allele origin: germline.
Comment: The PKD1 c.12211C>T variant is predicted to result in the amino acid substitution p.Leu4071Phe. To our knowledge, this variant has not been reported in the literature. This variant is reported in 0.013% of alleles in individuals of African descent in gnomAD. Although we suspect that this variant may be benign, at this time, the clinical significance of this variant is uncertain due to the absence of conclusive functional and genetic evidence.

Ambry Genetics
Classification: Uncertain significance for Inborn genetic diseases. Last evaluated: 2024-06-19. Review status: criteria provided, single submitter. Criteria: Ambry Variant Classification Scheme 2023. Collection method: clinical testing. Allele origin: germline.

NM_001009944.3(PKD1):c.12211C>T (p.Leu4071Phe)

Gene: PKD1 (polycystin 1, transient receptor potential channel interacting; minus strand). Cytogenetic location: 16p13.3.
Variant type: single nucleotide variant.
Coding change: c.12211C>T on transcript NM_001009944.3 (MANE Select); coding-DNA position 12211, C replaced by T.
Protein change: p.Leu4071Phe; replaces leucine 4071 with phenylalanine.
Molecular consequence: missense variant.
Genome position (GRCh38, 1-based): chr16:2,090,518, G>A on the plus strand (C>T on the coding strand, the complement: PKD1 is on the minus strand). VCF-style: chr16-2090518-G-A. GRCh37 (hg19) VCF-style: chr16-2140519-G-A.
Other names: c.12208C>T, p.Leu4070Phe (NM_000296.4); short protein forms L4071F, L4070F.
Identifiers: ClinVar variation 3306814 (VCV003306814.2).